The following is an entry in ClinVar:

ClinVar aggregate classification (germline): Uncertain significance (1 of 4 stars; one submission).

Conditions:
Hereditary sensory and autonomic neuropathy type 6. Also called: HSAN VI; Neuropathy, hereditary sensory and autonomic, type VI. Identifiers: Orphanet 314381, MedGen C3539003, MONDO:0013839, OMIM 614653.
Epidermolysis bullosa simplex 3, localized or generalized intermediate, with BP230 deficiency (EBS3). Also called: Epidermolysis bullosa simplex, autosomal recessive 2; Epidermolysis bullosa simplex due to BP230 deficiency. Identifiers: Orphanet 412181, MedGen C3809470, MONDO:0014180, OMIM 615425.

Allele frequency attached by ClinVar (database versions not stated): TOPMed below 0.00001.
gnomAD v4.1: 8 of 1,606,982 alleles (0.0005%); highest among the groups gnomAD compares: Non-Finnish European, 0.00068%; no homozygotes.

Submission:

Labcorp Genetics (formerly Invitae), Labcorp
Classification: Uncertain significance for Epidermolysis bullosa simplex 3, localized or generalized intermediate, with BP230 deficiency; Hereditary sensory and autonomic neuropathy type 6. Last evaluated: 2023-07-07. Review status: criteria provided, single submitter. Criteria: Invitae Variant Classification Sherloc (09022015). Collection method: clinical testing. Allele origin: germline.
Comment: This variant has not been reported in the literature in individuals affected with DST-related conditions. This variant is not present in population databases (gnomAD no frequency). This sequence change replaces glutamic acid, which is acidic and polar, with aspartic acid, which is acidic and polar, at codon 2423 of the DST protein (p.Glu2423Asp). The DST gene has multiple clinically relevant transcripts. This variant occurs in alternate transcript NM_015548.4, and corresponds to NM_001723.5:c.*61863G>T in the primary transcript. Experimental studies and prediction algorithms are not available or were not evaluated, and the functional significance of this variant is currently unknown. In summary, the available evidence is currently insufficient to determine the role of this variant in disease. Therefore, it has been classified as a Variant of Uncertain Significance.

NM_001374736.1(DST):c.15138G>T (p.Glu5046Asp)

Gene: DST (dystonin; minus strand). Cytogenetic location: 6p12.1.
Variant type: single nucleotide variant.
Coding change: c.15138G>T on transcript NM_001374736.1 (MANE Select); coding-DNA position 15138, G replaced by T.
Protein change: p.Glu5046Asp; replaces glutamic acid 5046 with aspartic acid.
Molecular consequence: missense variant.
Genome position (GRCh38, 1-based): chr6:56,553,654, C>A on the plus strand (G>T on the coding strand, the complement: DST is on the minus strand). VCF-style: chr6-56553654-C-A. GRCh37 (hg19) VCF-style: chr6-56418452-C-A.
Other names: c.8781G>T, p.Glu2927Asp (NM_001144769.5); c.8367G>T, p.Glu2789Asp (NM_001144770.2); c.15138G>T, p.Glu5046Asp (NM_001374722.1); c.14505G>T, p.Glu4835Asp (NM_001374729.1); c.8247G>T, p.Glu2749Asp (NM_001374730.1, NM_001386100.1, NM_183380.4); c.15165G>T, p.Glu5055Asp (NM_001374734.1); c.7269G>T, p.Glu2423Asp (NM_015548.5); short protein forms E4835D, E5046D, E5055D, E2423D, E2749D, E2789D, E2927D.
Identifiers: ClinVar variation 1931115 (VCV001931115.3), dbSNP rs1218645978, ClinGen allele CA364518097.
Genomic context (GRCh38, chr6:56,553,654, plus strand): 5'-AGACATTTGCTGAAATTGATGAGAGCTTGCACAGGCCGACTGAAGGTGCTGGACATGATT[C>A]TCTAGAAATAAAATTACAAGATATGTTTATTTTACATCAAAATGTTAATTTAATCTATGA-3'
Protein context (NP_001361665.1, residues 5036-5056): KSFKDVEQKA[Glu5046Asp]NHVQHLQSAC